The following is an entry in ClinVar:

NM_000038.6(APC):c.3407A>T (p.Glu1136Val)

Gene: APC (APC regulator of Wnt signaling pathway; plus strand). Cytogenetic location: 5q22.2.
Variant type: single nucleotide variant.
Coding change: c.3407A>T on transcript NM_000038.6 (MANE Select); coding-DNA position 3407, A replaced by T.
Protein change: p.Glu1136Val; replaces glutamic acid 1136 with valine.
Molecular consequence: missense variant. On other transcripts: non-coding transcript variant (2).
Genome position (GRCh38, 1-based): chr5:112,839,001, A>T. VCF-style: chr5-112839001-A-T. GRCh37 (hg19) VCF-style: chr5-112174698-A-T.
Other names: c.3407A>T, p.Glu1136Val (NM_001127510.3, NM_001354895.2, NM_001407450.1); c.3353A>T, p.Glu1118Val (NM_001127511.3); c.3461A>T, p.Glu1154Val (NM_001354896.2, NM_001407447.1, NM_001407448.1 and 1 more transcripts); c.3437A>T, p.Glu1146Val (NM_001354897.2); c.3332A>T, p.Glu1111Val (NM_001354898.2); c.3323A>T, p.Glu1108Val (NM_001354899.2); c.3284A>T, p.Glu1095Val (NM_001354900.2); c.3230A>T, p.Glu1077Val (NM_001354901.2, NM_001407453.1); and 11 more; short protein forms E1007V, E1010V, E1035V, E1045V, E1053V, E1077V, E1095V, E1108V.
Identifiers: ClinVar variation 4756603 (VCV004756603.1).

ClinVar aggregate classification (germline): Uncertain significance (1 of 4 stars; one submission).

Conditions:
Hereditary cancer-predisposing syndrome. Also called: Tumor predisposition; Hereditary Cancer Syndrome; Neoplastic Syndromes, Hereditary; Hereditary neoplastic syndrome. Identifiers: Orphanet 140162, MedGen C0027672, MeSH D009386, MONDO:0015356.

Submission:

Color Diagnostics, LLC DBA Color Health
Classification: Uncertain significance for Hereditary cancer-predisposing syndrome. Last evaluated: 2025-04-20. Review status: criteria provided, single submitter. Criteria: ACMG Guidelines, 2015. Collection method: clinical testing. Allele origin: germline.
Comment: This missense variant replaces glutamic acid with valine at codon 1136 of the APC protein. Computational prediction suggests that this variant may not impact protein structure and function. To our knowledge, functional studies have not been reported for this variant. This variant has not been reported in individuals affected with APC-related disorders in the literature. This variant has not been identified in the general population by the Genome Aggregation Database (gnomAD). The available evidence is insufficient to determine the role of this variant in disease conclusively. Therefore, this variant is classified as a Variant of Uncertain Significance.